The following is an entry in ClinVar:

ClinVar aggregate classification (germline): Benign/Likely benign. Review status: criteria provided, multiple submitters, no conflicts (2 of 4 stars). 3 submissions from 3 submitters: Benign (2); Likely benign (1). Last evaluated 2025-08-11.

Conditions:
Townes syndrome (TBS). Also called: Townes-Brocks syndrome. Identifiers: Orphanet 857, MedGen C0265246, MeSH C536974, MONDO:0007142.

Allele frequency attached by ClinVar (database versions not stated): TOPMed 0.00016; gnomAD 0.00022 and 0.00024; ESP Exome Variant Server 0.00023; ExAC 0.00039; gnomAD exomes 0.00040.
gnomAD v4.1: 616 of 1,614,146 alleles (0.038%); highest among the groups gnomAD compares: South Asian, 0.2%; 4 homozygotes.

Submissions (3):

Labcorp Genetics (formerly Invitae), Labcorp
Classification: Benign for Townes syndrome. Last evaluated: 2025-08-11. Review status: criteria provided, single submitter. Criteria: Invitae Variant Classification Sherloc (09022015). Collection method: clinical testing. Allele origin: germline.

Blueprint Genetics
Classification: Likely benign. Last evaluated: 2024-07-11. Review status: criteria provided, single submitter. Criteria: ACMG Guidelines, 2015. Collection method: clinical testing. Allele origin: germline.

CeGaT Center for Human Genetics Tuebingen
Classification: Benign. Last evaluated: 2022-03-01. Review status: criteria provided, single submitter. Criteria: CeGaT Center For Human Genetics Tuebingen Variant Classification Criteria Version 2. Collection method: clinical testing. Allele origin: germline. Affected: yes. Observed: 1 variant allele.
Comment: SALL1: BS1, BS2

NM_002968.3(SALL1):c.1200G>A (p.Ser400=)

Gene: SALL1 (spalt like transcription factor 1; minus strand). Cytogenetic location: 16q12.1.
Variant type: single nucleotide variant.
Coding change: c.1200G>A on transcript NM_002968.3 (MANE Select); coding-DNA position 1200, G replaced by A.
Protein change: p.Ser400=; no amino-acid change (serine 400 retained).
Molecular consequence: synonymous variant.
Genome position (GRCh38, 1-based): chr16:51,141,022, C>T on the plus strand (G>A on the coding strand, the complement: SALL1 is on the minus strand). VCF-style: chr16-51141022-C-T. GRCh37 (hg19) VCF-style: chr16-51174933-C-T.
Other names: c.909G>A, p.Ser303= (NM_001127892.2).
Identifiers: ClinVar variation 767482 (VCV000767482.32), dbSNP rs79302764, ClinGen allele CA8053320.